The following is an entry in ClinVar:

ClinVar aggregate classification (germline): Uncertain significance (1 of 4 stars; one submission).

Submission:

Labcorp Genetics (formerly Invitae), Labcorp
Classification: Uncertain significance. Last evaluated: 2025-01-12. Review status: criteria provided, single submitter. Criteria: Invitae Variant Classification Sherloc (09022015). Collection method: clinical testing. Allele origin: germline.
Comment: This sequence change replaces serine, which is neutral and polar, with glutamine, which is neutral and polar, at codon 1747 of the VCAN protein (p.Ser1747Gln). Information on the frequency of this variant in the gnomAD database is not available, as this variant may be reported differently in the database. This variant has not been reported in the literature in individuals affected with VCAN-related conditions. An algorithm developed to predict the effect of missense changes on protein structure and function (PolyPhen-2) suggests that this variant is likely to be disruptive. In summary, the available evidence is currently insufficient to determine the role of this variant in disease. Therefore, it has been classified as a Variant of Uncertain Significance.

NM_004385.5(VCAN):c.5239_5240delinsCA (p.Ser1747Gln)

Genes: VCAN (versican; plus strand), VCAN-AS1 (VCAN antisense RNA 1; minus strand). Cytogenetic location: 5q14.3.
Variant type: Indel.
Coding change: c.5239_5240delinsCA on transcript NM_004385.5 (MANE Select); coding-DNA positions 5239 to 5240, TC replaced by CA.
Protein change: p.Ser1747Gln; replaces serine 1747 with glutamine.
Molecular consequence: missense variant. On other transcripts: intron variant (2).
Genome position (GRCh38, 1-based): chr5:83,538,242-83,538,243, TC replaced by CA. VCF-style: chr5-83538242-TC-CA. GRCh37 (hg19) VCF-style: chr5-82834061-TC-CA.
Other names: c.2278_2279delinsCA, p.Ser760Gln (NM_001164097.2); c.4004-7295_4004-7294delinsCA (NM_001164098.2); c.1043-7295_1043-7294delinsCA (NM_001126336.3); short protein forms S1747Q, S760Q.
Identifiers: ClinVar variation 3673958 (VCV003673958.2).